The following is an entry in ClinVar:

ClinVar aggregate classification (germline): Uncertain significance (1 of 4 stars; one submission).

Allele frequency attached by ClinVar (database versions not stated): gnomAD 0.00001; TOPMed 0.00001.
gnomAD v4.1: 2 of 1,612,486 alleles (0.00012%); highest among the groups gnomAD compares: African/African-American, 0.0027%; no homozygotes.

Submission:

Genetic Services Laboratory, University of Chicago
Classification: Uncertain significance. Last evaluated: 2021-11-29. Review status: criteria provided, single submitter. Criteria: ACMG Guidelines, 2015. Collection method: clinical testing. Allele origin: germline. Affected: no.
Comment: DNA sequence analysis of the RNF43 gene demonstrated a sequence change, c.407C>T, in exon 4 that results in an amino acid change, p.Ala136Val. This sequence change has not been described in population databases such as ExAC and gnomAD (dbSNP rs1227515515). The p.Ala136Val change affects a highly conserved amino acid residue located in a domain of the RNF43 protein that is not known to be functional. In-silico pathogenicity prediction tools (SIFT, PolyPhen2, Align GVGD, REVEL) provide contradictory results for the p.Ala136Val substitution. This sequence change does not appear to have been previously described in individuals with RNF43-related disorders. Due to insufficient evidences and the lack of functional studies, the clinical significance of the p.Ala136Val change remains unknown at this time.

NM_017763.6(RNF43):c.407C>T (p.Ala136Val)

Gene: RNF43 (ring finger protein 43; minus strand). Cytogenetic location: 17q22.
Variant type: single nucleotide variant.
Coding change: c.407C>T on transcript NM_017763.6 (MANE Select); coding-DNA position 407, C replaced by T.
Protein change: p.Ala136Val; replaces alanine 136 with valine.
Molecular consequence: missense variant.
Genome position (GRCh38, 1-based): chr17:58,363,569, G>A on the plus strand (C>T on the coding strand, the complement: RNF43 is on the minus strand). VCF-style: chr17-58363569-G-A. GRCh37 (hg19) VCF-style: chr17-56440930-G-A.
Other names: c.407C>T, p.Ala136Val (NM_001305544.3); c.26C>T, p.Ala9Val (NM_001305545.2); short protein forms A136V, A9V.
Identifiers: ClinVar variation 1338203 (VCV001338203.4), dbSNP rs1227515515, ClinGen allele CA400339284.